The following is an entry in ClinVar:

NM_014053.4(FLVCR1):c.251C>T (p.Ala84Val)

Genes: FLVCR1 (FLVCR choline and heme transporter 1; plus strand), LOC129932486 (ATAC-STARR-seq lymphoblastoid silent region 1807; plus strand). Cytogenetic location: 1q32.3.
Variant type: single nucleotide variant.
Coding change: c.251C>T on transcript NM_014053.4 (MANE Select); coding-DNA position 251, C replaced by T.
Protein change: p.Ala84Val; replaces alanine 84 with valine.
Molecular consequence: missense variant.
Genome position (GRCh38, 1-based): chr1:212,858,703, C>T. VCF-style: chr1-212858703-C-T. GRCh37 (hg19) VCF-style: chr1-213032045-C-T.
Other names: short protein forms A84V.
Identifiers: ClinVar variation 1468348 (VCV001468348.4), dbSNP rs1664113426, ClinGen allele CA344795671.

ClinVar aggregate classification (germline): Uncertain significance. Review status: criteria provided, multiple submitters, no conflicts (2 of 4 stars). 2 submissions from 2 submitters: Uncertain significance (2). Last evaluated 2026-01-19.

Allele frequency attached by ClinVar (database versions not stated): gnomAD exomes below 0.00001; TOPMed below 0.00001.
gnomAD v4.1: 2 of 1,592,106 alleles (0.00013%); highest among the groups gnomAD compares: Non-Finnish European, 0.00017%; no homozygotes.

Submissions (2):

Women's Health and Genetics/Laboratory Corporation of America, LabCorp
Classification: Uncertain significance. Last evaluated: 2026-01-19. Review status: criteria provided, single submitter. Criteria: LabCorp Variant Classification Summary - May 2015. Collection method: clinical testing. Allele origin: germline.
Comment: Variant summary: FLVCR1 c.251C>T (p.Ala84Val) results in a non-conservative amino acid change in the encoded protein sequence. Algorithms developed to predict the effect of missense changes on protein structure and function are either unavailable or do not agree on the potential impact of this missense change. The frequency data for this variant in gnomAD is considered unreliable, as metrics indicate poor data quality at this position. To our knowledge, no occurrence of c.251C>T in individuals affected with FLVCR1-related conditions and no experimental evidence demonstrating its impact on protein function have been reported. ClinVar contains an entry for this variant (Variation ID: 1468348). Based on the evidence outlined above, the variant was classified as uncertain significance.

Labcorp Genetics (formerly Invitae), Labcorp
Classification: Uncertain significance. Last evaluated: 2022-08-16. Review status: criteria provided, single submitter. Criteria: Invitae Variant Classification Sherloc (09022015). Collection method: clinical testing. Allele origin: germline.
Comment: This sequence change replaces alanine, which is neutral and non-polar, with valine, which is neutral and non-polar, at codon 84 of the FLVCR1 protein (p.Ala84Val). This variant is not present in population databases (gnomAD no frequency). This variant has not been reported in the literature in individuals affected with FLVCR1-related conditions. ClinVar contains an entry for this variant (Variation ID: 1468348). Algorithms developed to predict the effect of missense changes on protein structure and function are either unavailable or do not agree on the potential impact of this missense change (SIFT: "Deleterious"; PolyPhen-2: "Benign"; Align-GVGD: "Class C0"). In summary, the available evidence is currently insufficient to determine the role of this variant in disease. Therefore, it has been classified as a Variant of Uncertain Significance.